The following is an entry in ClinVar:

ClinVar aggregate classification (germline): Pathogenic. Review status: criteria provided, multiple submitters, no conflicts (2 of 4 stars). 5 submissions from 5 submitters: Pathogenic (3). 2 of the submissions do not count toward it. Last evaluated 2024-07-15.

Conditions:
Dystonic disorder. Also called: Dystonia. Identifiers: MedGen C0013421, MONDO:0003441, HP:0001332.
Dystonia 25 (DYT25). Also called: DYT-GNAL. Identifiers: Orphanet 329466, MedGen C4304670, MONDO:0014033, OMIM 615073.
GNAL-related disorder. Also called: GNAL-related condition.

Allele frequency attached by ClinVar (database versions not stated): gnomAD exomes below 0.00001.
gnomAD v4.1: 1 of 1,610,012 alleles (0.000062%); no homozygotes.

Submissions (5):

Labcorp Genetics (formerly Invitae), Labcorp
Classification: Pathogenic for Dystonic disorder. Last evaluated: 2024-07-15. Review status: criteria provided, single submitter. Criteria: Invitae Variant Classification Sherloc (09022015). Collection method: clinical testing. Allele origin: germline.
Comment: This sequence change creates a premature translational stop signal (p.Arg245*) in the GNAL gene. It is expected to result in an absent or disrupted protein product. Loss-of-function variants in GNAL are known to be pathogenic (PMID: 23222958, 27123488). This variant is present in population databases (no rsID available, gnomAD 0.004%). This premature translational stop signal has been observed in individual(s) with cervical dystonia (PMID: 23449625, 24408567). ClinVar contains an entry for this variant (Variation ID: 626333). For these reasons, this variant has been classified as Pathogenic.

Blueprint Genetics
Classification: Pathogenic for GNAL-related disorders. Last evaluated: 2018-12-27. Review status: criteria provided, single submitter. Criteria: ACMG Guidelines, 2015. Collection method: clinical testing. Allele origin: germline. Affected: yes. Observed: 1 variant allele.

CeGaT Center for Human Genetics Tuebingen
Classification: Pathogenic. Last evaluated: 2017-04-01. Review status: criteria provided, single submitter. Criteria: CeGaT Center For Human Genetics Tuebingen Variant Classification Criteria Version 2. Collection method: clinical testing. Allele origin: germline. Affected: yes. Observed: 1 variant allele.

Department of Neurodegenerative Diseases, AG Gasser, Hertie Institute for Clinical Brain Research
Classification: Likely pathogenic. Last evaluated: 2026-01-15. Review status: no assertion criteria provided. Collection method: research. Allele origin: germline. Inheritance: Autosomal unknown. Affected: yes. Not counted in ClinVar's aggregate classification.

GeneReviews
No classification provided. Condition: Dystonia 25. Review status: no classification provided. Collection method: literature only. Allele origin: germline. Not counted in ClinVar's aggregate classification.

Literature cited by the submitters: PubMed 23222958 (cited by Labcorp Genetics (formerly Invitae), Labcorp); PubMed 27123488 (cited by Labcorp Genetics (formerly Invitae), Labcorp); PubMed 23449625 (cited by Labcorp Genetics (formerly Invitae), Labcorp and GeneReviews); PubMed 24408567 (cited by Labcorp Genetics (formerly Invitae), Labcorp and GeneReviews); PubMed 30605297 (cited by GeneReviews).

NM_182978.4(GNAL):c.964C>T (p.Arg322Ter)

Gene: GNAL (G protein subunit alpha L; plus strand). Cytogenetic location: 18p11.21.
Variant type: single nucleotide variant.
Coding change: c.964C>T on transcript NM_182978.4 (MANE Select); coding-DNA position 964, C replaced by T.
Protein change: p.Arg322Ter; replaces arginine 322 with a stop codon.
Molecular consequence: nonsense.
Genome position (GRCh38, 1-based): chr18:11,868,596, C>T. VCF-style: chr18-11868596-C-T. GRCh37 (hg19) VCF-style: chr18-11868595-C-T.
Other names: c.733C>T, p.Arg245Ter (NM_001142339.3, NM_001261443.2, NM_001369387.1); c.112C>T, p.Arg38Ter (NM_001261444.2); short protein forms R245*, R322*, R38*.
Identifiers: ClinVar variation 626333 (VCV000626333.44), dbSNP rs1252185897, ClinGen allele CA401932429.